The following is an entry in ClinVar:

NM_000540.3(RYR1):c.13416del (p.Ile4473fs)

Gene: RYR1 (ryanodine receptor 1; plus strand). Cytogenetic location: 19q13.2.
Variant type: Deletion.
Coding change: c.13416del on transcript NM_000540.3 (MANE Select); coding-DNA position 13416, one base deleted (C; older notation c.13416delC).
Protein change: p.Ile4473fs; shifts the reading frame from isoleucine 4473.
Molecular consequence: frameshift variant.
Genome position (GRCh38, 1-based): chr19:38,565,750, C deleted; the last of 3 consecutive C bases (chr19:38,565,748-38,565,750); deleting any one gives the same sequence. VCF-style (leftmost placement, unchanged base first): chr19-38565747-TC-T. GRCh37 (hg19) VCF-style: chr19-39056387-TC-T.
Other names: c.13401del, p.Ile4468fs (NM_001042723.2); short protein forms I4468fs, I4473fs.
Identifiers: ClinVar variation 1071320 (VCV001071320.8), dbSNP rs2145847760, ClinGen allele CA2499225481.

ClinVar aggregate classification (germline): Pathogenic (1 of 4 stars; one submission).

Conditions:
RYR1-related disorder. Also called: RYR1-related condition; RYR1-related disorders. Identifiers: MedGen CN239331.

Submission:

Labcorp Genetics (formerly Invitae), Labcorp
Classification: Pathogenic for RYR1-related disorder. Last evaluated: 2020-07-30. Review status: criteria provided, single submitter. Criteria: Invitae Variant Classification Sherloc (09022015). Collection method: clinical testing. Allele origin: germline.
Comment: This sequence change creates a premature translational stop signal (p.Ile4473Serfs*78) in the RYR1 gene. It is expected to result in an absent or disrupted protein product. The frequency data for this variant in the population databases is considered unreliable, as metrics indicate insufficient coverage at this position in the ExAC database. For these reasons, this variant has been classified as Pathogenic. Loss-of-function variants in RYR1 are known to be pathogenic (PMID: 20583297, 20839240, 23919265, 28818389). This variant has not been reported in the literature in individuals with RYR1-related conditions.

Literature cited by the submitters: PubMed 20583297; PubMed 20839240; PubMed 23919265; PubMed 28818389.